The following is an entry in ClinVar:

ClinVar aggregate classification (germline): Uncertain significance (1 of 4 stars; one submission).

Conditions:
Ellis-van Creveld syndrome (EVC). Also called: Chondroectodermal dysplasia; EVC-Related Ellis-van Creveld Syndrome; EVC2-Related Ellis-van Creveld Syndrome; MESOECTODERMAL DYSPLASIA. Identifiers: Orphanet 289, MedGen C0013903, MONDO:0009162, OMIM 225500.
Curry-Hall syndrome (WAD). Also called: WEYERS ACRODENTAL DYSOSTOSIS. Identifiers: Orphanet 952, MedGen C0457013, MONDO:0008673, OMIM 193530.

gnomAD v4.1: 5 of 1,038,172 alleles (0.00048%); highest among the groups gnomAD compares: Middle Eastern, 0.046%; no homozygotes.

Submission:

Labcorp Genetics (formerly Invitae), Labcorp
Classification: Uncertain significance for Curry-Hall syndrome; Ellis-van Creveld syndrome. Last evaluated: 2021-08-27. Review status: criteria provided, single submitter. Criteria: Invitae Variant Classification Sherloc (09022015). Collection method: clinical testing. Allele origin: germline.
Comment: This sequence change replaces alanine with serine at codon 26 of the EVC protein (p.Ala26Ser). The alanine residue is weakly conserved and there is a moderate physicochemical difference between alanine and serine. The frequency data for this variant in the population databases is considered unreliable, as metrics indicate insufficient coverage at this position in the ExAC database. This variant has not been reported in the literature in individuals affected with EVC-related conditions. Algorithms developed to predict the effect of missense changes on protein structure and function are either unavailable or do not agree on the potential impact of this missense change (SIFT: "Tolerated"; PolyPhen-2: "Possibly Damaging"; Align-GVGD: "Class C0"). In summary, the available evidence is currently insufficient to determine the role of this variant in disease. Therefore, it has been classified as a Variant of Uncertain Significance.

NM_153717.3(EVC):c.76G>T (p.Ala26Ser)

Gene: EVC (EvC ciliary complex subunit 1; plus strand). Cytogenetic location: 4p16.2.
Variant type: single nucleotide variant.
Coding change: c.76G>T on transcript NM_153717.3 (MANE Select); coding-DNA position 76, G replaced by T.
Protein change: p.Ala26Ser; replaces alanine 26 with serine.
Molecular consequence: missense variant.
Genome position (GRCh38, 1-based): chr4:5,711,456, G>T. VCF-style: chr4-5711456-G-T. GRCh37 (hg19) VCF-style: chr4-5713183-G-T.
Other names: c.76G>T, p.Ala26Ser (NM_001306090.2, NM_001306092.2); short protein forms A26S.
Identifiers: ClinVar variation 2149728 (VCV002149728.1), dbSNP rs1171886869, ClinGen allele CA356156473.